The following is an entry in ClinVar:

ClinVar aggregate classification (germline): Conflicting classifications of pathogenicity. Review status: criteria provided, conflicting classifications (1 of 4 stars). 3 submissions from 3 submitters: Uncertain significance (1); Likely benign (1). 1 of the submissions does not count toward it. Last evaluated 2025-06-12.

Conditions:
Inborn genetic diseases. Identifiers: MedGen C0950123, MeSH D030342.
Dyskeratosis congenita, autosomal recessive 5 (DKCB5). Identifiers: MedGen C3554656, MONDO:0014076, OMIM 615190.
Pulmonary fibrosis and/or bone marrow failure, Telomere-related, 3. Also called: PULMONARY FIBROSIS AND/OR BONE MARROW FAILURE SYNDROME, TELOMERE-RELATED, 3. Identifiers: Orphanet 2032, MedGen C4225346, MONDO:0014613, OMIM 616373.
Dyskeratosis congenita. Identifiers: Orphanet 1775, MedGen C0265965, MONDO:0015780.

Allele frequency attached by ClinVar (database versions not stated): ExAC below 0.00001; gnomAD exomes 0.00001; gnomAD 0.00002; TOPMed 0.00002.
gnomAD v4.1: 21 of 1,562,536 alleles (0.0013%); highest among the groups gnomAD compares: Admixed American, 0.0019%; no homozygotes.

Submissions (3):

Labcorp Genetics (formerly Invitae), Labcorp
Classification: Uncertain significance for Dyskeratosis congenita, autosomal recessive 5; Pulmonary fibrosis and/or bone marrow failure, Telomere-related, 3. Last evaluated: 2025-06-12. Review status: criteria provided, single submitter. Criteria: Invitae Variant Classification Sherloc (09022015). Collection method: clinical testing. Allele origin: germline.
Comment: This sequence change replaces arginine, which is basic and polar, with glutamine, which is neutral and polar, at codon 844 of the RTEL1 protein (p.Arg844Gln). The frequency data for this variant in the population databases is considered unreliable, as metrics indicate poor data quality at this position in the gnomAD database. This variant has not been reported in the literature in individuals affected with RTEL1-related conditions. ClinVar contains an entry for this variant (Variation ID: 991708). An algorithm developed to predict the effect of missense changes on protein structure and function outputs the following: PolyPhen-2: "Benign". The glutamine amino acid residue is found in multiple mammalian species, which suggests that this missense change does not adversely affect protein function. In summary, the available evidence is currently insufficient to determine the role of this variant in disease. Therefore, it has been classified as a Variant of Uncertain Significance.

Ambry Genetics
Classification: Likely benign for Inborn genetic diseases. Last evaluated: 2024-12-20. Review status: criteria provided, single submitter. Criteria: Ambry Variant Classification Scheme 2023. Collection method: clinical testing. Allele origin: germline.

Natera, Inc.
Classification: Uncertain significance for Dyskeratosis congenita. Last evaluated: 2020-08-14. Review status: no assertion criteria provided. Collection method: clinical testing. Allele origin: germline. Not counted in ClinVar's aggregate classification.

NM_001283009.2(RTEL1):c.2531G>A (p.Arg844Gln)

Genes: RTEL1-TNFRSF6B (RTEL1-TNFRSF6B readthrough (NMD candidate); plus strand), RTEL1 (regulator of telomere elongation helicase 1; plus strand). Cytogenetic location: 20q13.33.
Variant type: single nucleotide variant.
Coding change: c.2531G>A on transcript NM_001283009.2 (MANE Select); coding-DNA position 2531, G replaced by A.
Protein change: p.Arg844Gln; replaces arginine 844 with glutamine.
Molecular consequence: missense variant. On other transcripts: non-coding transcript variant (1).
Genome position (GRCh38, 1-based): chr20:63,690,922, G>A. VCF-style: chr20-63690922-G-A. GRCh37 (hg19) VCF-style: chr20-62322275-G-A.
Other names: c.1862G>A, p.Arg621Gln (NM_001283010.1); c.2531G>A, p.Arg844Gln (NM_016434.4); c.2603G>A, p.Arg868Gln (NM_032957.5); short protein forms R621Q, R844Q, R868Q.
Identifiers: ClinVar variation 991708 (VCV000991708.4), dbSNP rs758245234, ClinGen allele CA9965384.